The following is an entry in ClinVar:

NM_020822.3(KCNT1):c.673A>G (p.Thr225Ala)

Gene: KCNT1 (potassium sodium-activated channel subfamily T member 1; plus strand). Cytogenetic location: 9q34.3.
Variant type: single nucleotide variant.
Coding change: c.673A>G on transcript NM_020822.3 (MANE Select); coding-DNA position 673, A replaced by G.
Protein change: p.Thr225Ala; replaces threonine 225 with alanine.
Molecular consequence: missense variant.
Genome position (GRCh38, 1-based): chr9:135,757,228, A>G. VCF-style: chr9-135757228-A-G. GRCh37 (hg19) VCF-style: chr9-138649074-A-G.
Other names: c.529A>G, p.Thr177Ala (NM_001272003.2); c.673A>G (NM_020822.2); short protein forms T225A, T177A.
Identifiers: ClinVar variation 547059 (VCV000547059.44), dbSNP rs1554770961, ClinGen allele CA375497361.

ClinVar aggregate classification (germline): Uncertain significance. Review status: criteria provided, multiple submitters, no conflicts (2 of 4 stars). 2 submissions from 2 submitters: Uncertain significance (2). Last evaluated 2023-12-05.

Submissions (2):

GeneDx
Classification: Uncertain significance. Last evaluated: 2023-12-05. Review status: criteria provided, single submitter. Criteria: GeneDx Variant Classification Process June 2021. Collection method: clinical testing. Allele origin: germline. Affected: yes.
Comment: Not observed at significant frequency in large population cohorts (gnomAD); In silico analysis supports that this missense variant has a deleterious effect on protein structure/function; Has not been previously published as pathogenic or benign to our knowledge

CeGaT Center for Human Genetics Tuebingen
Classification: Uncertain significance. Last evaluated: 2017-11-01. Review status: criteria provided, single submitter. Criteria: CeGaT Center For Human Genetics Tuebingen Variant Classification Criteria Version 2. Collection method: clinical testing. Allele origin: germline. Affected: yes. Observed: 1 variant allele.